The following is an entry in ClinVar:

NR_027350.2(MIR17HG):n.1583G>T

Gene: MIR17HG (miR-17-92a-1 cluster host gene; plus strand). Cytogenetic location: 13q31.3.
Variant type: single nucleotide variant.
Genome position: GRCh38 VCF-style: chr13-91351007-G-T. GRCh37 (hg19) VCF-style: chr13-92003261-G-T.
Identifiers: ClinVar variation 3034882 (VCV003034882.2), dbSNP rs562884140, ClinGen allele CA7016116.

ClinVar aggregate classification (germline): Likely benign (0 of 4 stars; one submission).

Conditions:
MIR17HG-related disorder. Also called: MIR17HG-related condition.

Allele frequency attached by ClinVar (database versions not stated): gnomAD exomes 0.00027; ExAC 0.00051; 1000 Genomes Project 30x 0.00094; 1000 Genomes Project 0.00100.
gnomAD v4.1: 119 of 529,066 alleles (0.022%); highest among the groups gnomAD compares: East Asian, 0.6%; 2 homozygotes.

Submission:

PreventionGenetics, part of Exact Sciences
Classification: Likely benign for MIR17HG-related condition. Last evaluated: 2019-04-01. Review status: no assertion criteria provided. Collection method: clinical testing. Allele origin: germline.
Comment: This variant is classified as likely benign based on ACMG/AMP sequence variant interpretation guidelines (Richards et al. 2015 PMID: 25741868, with internal and published modifications).